The following is an entry in ClinVar:

ClinVar aggregate classification (germline): Pathogenic (1 of 4 stars; one submission).

Conditions:
Hereditary breast ovarian cancer syndrome. Also called: Hereditary breast and ovarian cancer syndrome (HBOC); Hereditary breast and/or ovarian cancer syndrome; BRCA1- and BRCA2-Associated Hereditary Breast and Ovarian Cancer; Hereditary breast and ovarian cancer syndrome; Hereditary breast and ovarian cancer; Breast and ovarian cancer. Identifiers: Orphanet 145, MedGen C0677776, MeSH D061325, MONDO:0003582. Disease mechanism: loss of function.

Submission:

Labcorp Genetics (formerly Invitae), Labcorp
Classification: Pathogenic for Hereditary breast ovarian cancer syndrome. Last evaluated: 2016-05-25. Review status: criteria provided, single submitter. Criteria: Invitae Variant Classification Sherloc (09022015). Collection method: clinical testing. Allele origin: germline.
Comment: While this particular variant has not been reported in the literature, truncating variants in BRCA2 are known to be pathogenic (PMID: 20104584). For these reasons, this variant has been classified as Pathogenic. This sequence change deletes 283 nucleotides from exon 15 of the BRCA2 mRNA (c.7598_7617+263del), causing a frameshift at codon 2534. This creates a premature translational stop signal 6 positions downstream and is expected to result in an absent or disrupted protein product.

Literature cited by the submitters: PubMed 20104584.

NM_000059.4(BRCA2):c.7598_7617+263del

Gene: BRCA2 (BRCA2 DNA repair associated; plus strand). Cytogenetic location: 13q13.1.
Variant type: Deletion.
Coding change: c.7598_7617+263del on transcript NM_000059.4 (MANE Select); coding-DNA position 7598 through 263 bases into the intron after coding-DNA position 7617, 283 bases deleted.
Molecular consequence: splice donor variant.
Genome position (GRCh38, 1-based): chr13:32,356,590-32,356,872, 283 bases deleted. GRCh37 (hg19): chr13:32,930,727-32,931,009.
Other names: c.7598_7617+263del283 (NM_000059.3).
Identifiers: ClinVar variation 254094 (VCV000254094.7), dbSNP rs1555286303, ClinGen allele CA10586327.